The following is an entry in ClinVar:

ClinVar aggregate classification (germline): Uncertain significance (1 of 4 stars; one submission).

Conditions:
Cardiovascular phenotype. Identifiers: MedGen CN230736.

Submission:

Ambry Genetics
Classification: Uncertain significance for Cardiovascular phenotype. Last evaluated: 2025-09-17. Review status: criteria provided, single submitter. Criteria: Ambry Variant Classification Scheme 2023. Collection method: clinical testing. Allele origin: germline.
Comment: The p.G285E variant (also known as c.854G>A) is located in coding exon 10 of the TRDN gene. The glycine at codon 285 is replaced by glutamic acid, an amino acid with similar properties. This change occurs in the first base pair of coding exon 10. This amino acid position is conserved. In addition, the in silico prediction for this alteration is inconclusive. Since supporting evidence is limited at this time, the clinical significance of this alteration remains unclear.

NM_006073.4(TRDN):c.854G>A (p.Gly285Glu)

Genes: TRDN (triadin; minus strand), TRDN-AS1 (TRDN antisense RNA 1; plus strand). Cytogenetic location: 6q22.31.
Variant type: single nucleotide variant.
Coding change: c.854G>A on transcript NM_006073.4 (MANE Select); coding-DNA position 854, G replaced by A.
Protein change: p.Gly285Glu; replaces glycine 285 with glutamic acid.
Molecular consequence: missense variant.
Genome position (GRCh38, 1-based): chr6:123,464,983, C>T on the plus strand (G>A on the coding strand, the complement: TRDN is on the minus strand). VCF-style: chr6-123464983-C-T. GRCh37 (hg19) VCF-style: chr6-123786128-C-T.
Other names: c.854G>A, p.Gly285Glu (NM_001251987.2); c.794G>A, p.Gly265Glu (NM_001256020.2, NM_001407315.1); short protein forms G285E, G265E.
Identifiers: ClinVar variation 2562977 (VCV002562977.4), dbSNP rs2534152117, ClinGen allele CA365567010.